The following is an entry in ClinVar:

NM_014991.6(WDFY3):c.841G>T (p.Glu281Ter)

Gene: WDFY3 (WD repeat and FYVE domain containing 3; minus strand). Cytogenetic location: 4q21.23.
Variant type: single nucleotide variant.
Coding change: c.841G>T on transcript NM_014991.6 (MANE Select); coding-DNA position 841, G replaced by T.
Protein change: p.Glu281Ter; replaces glutamic acid 281 with a stop codon.
Molecular consequence: nonsense.
Genome position (GRCh38, 1-based): chr4:84,829,119, C>A on the plus strand (G>T on the coding strand, the complement: WDFY3 is on the minus strand). VCF-style: chr4-84829119-C-A. GRCh37 (hg19) VCF-style: chr4-85750272-C-A.
Other names: short protein forms E281*.
Identifiers: ClinVar variation 1325741 (VCV001325741.2), dbSNP rs767465603, ClinGen allele CA357540730.
Genomic context (GRCh38, chr4:84,829,119, plus strand): 5'-GAAGTGTTTGGGAAACATCGCTGGAATCTTTGAGGAAACAAGAAAGCCCAGCAAACATTT[C>A]GACAATTTCTAGGGGAGACAGGTCATCTGATTGCTGCATATTCTGAACACATGTAGATAA-3'

ClinVar aggregate classification (germline): Pathogenic/Likely pathogenic. Review status: criteria provided, multiple submitters, no conflicts (2 of 4 stars). 2 submissions from 2 submitters: Pathogenic (1); Likely pathogenic (1). Last evaluated 2026-06-16.

Conditions:
Neurodevelopmental delay. Identifiers: MedGen C4022738, HP:0012758.
Microcephaly 18, primary, autosomal dominant (MCPH18). Identifiers: MedGen C4479608, MONDO:0054593, OMIM 617520.

Submissions (2):

Greenwood Genetic Center Diagnostic Laboratories, Greenwood Genetic Center
Classification: Pathogenic for Microcephaly 18, primary, autosomal dominant. Last evaluated: 2026-06-16. Review status: criteria provided, single submitter. Criteria: ACMG Guidelines, 2015. Collection method: clinical testing. Allele origin: germline. Affected: yes.
Comment: PVS1, PS2, PM2

Institute of Human Genetics, University of Leipzig Medical Center
Classification: Likely pathogenic for Neurodevelopmental delay. Last evaluated: 2019-07-24. Review status: criteria provided, single submitter. Criteria: ACMG Guidelines, 2015. Collection method: research. Allele origin: de novo. Affected: yes.

Literature cited by the submitters: PubMed 31327001 (cited by Institute of Human Genetics, University of Leipzig Medical Center).